The following is an entry in ClinVar:

NM_000081.4(LYST):c.1391del (p.Glu464fs)

Gene: LYST (lysosomal trafficking regulator; minus strand). Cytogenetic location: 1q42.3.
Variant type: Deletion.
Coding change: c.1391del on transcript NM_000081.4 (MANE Select); coding-DNA position 1391, one base deleted (A; older notation c.1391delA).
Protein change: p.Glu464fs; shifts the reading frame from glutamic acid 464.
Molecular consequence: frameshift variant.
Genome position (GRCh38, 1-based): chr1:235,809,427, T deleted on the plus strand (A on the coding strand, the reverse complement: LYST is on the minus strand). VCF-style (leftmost placement, unchanged base first): chr1-235809426-CT-C. GRCh37 (hg19) VCF-style: chr1-235972726-CT-C.
Other names: c.1391del, p.Glu464fs (NM_001301365.1); short protein forms E464fs.
Identifiers: ClinVar variation 2022157 (VCV002022157.4), dbSNP rs2527115993, ClinGen allele CA2580062484.

ClinVar aggregate classification (germline): Pathogenic (1 of 4 stars; one submission).

Conditions:
Chédiak-Higashi syndrome (CHS). Also called: Chediak-Higashi Syndrome. Identifiers: Orphanet 167, MedGen C0007965, MONDO:0008963, OMIM 214500.

Submission:

Labcorp Genetics (formerly Invitae), Labcorp
Classification: Pathogenic for Chédiak-Higashi syndrome. Last evaluated: 2023-07-28. Review status: criteria provided, single submitter. Criteria: Invitae Variant Classification Sherloc (09022015). Collection method: clinical testing. Allele origin: germline.
Comment: This variant has not been reported in the literature in individuals affected with LYST-related conditions. For these reasons, this variant has been classified as Pathogenic. ClinVar contains an entry for this variant (Variation ID: 2022157). This variant is not present in population databases (gnomAD no frequency). This sequence change creates a premature translational stop signal (p.Glu464Glyfs*6) in the LYST gene. It is expected to result in an absent or disrupted protein product. Loss-of-function variants in LYST are known to be pathogenic (PMID: 9215679, 11857544).

Literature cited by the submitters: PubMed 9215679; PubMed 11857544.